The following is an entry in ClinVar:

ClinVar aggregate classification (germline): Pathogenic/Likely pathogenic. Review status: criteria provided, multiple submitters, no conflicts (2 of 4 stars). 3 submissions from 3 submitters: Pathogenic (2); Likely pathogenic (1). Last evaluated 2026-08-07.

Conditions:
Carnitine palmitoyltransferase II deficiency. Also called: Carnitine Palmitoyltransferase 2 Deficiency. Identifiers: Orphanet 157, MedGen C0342790, MONDO:0015515.

Submissions (3):

Myriad Genetics, Inc.
Classification: Pathogenic for Carnitine palmitoyltransferase II deficiency. Last evaluated: 2026-08-07. Review status: criteria provided, single submitter. Criteria: Myriad Autosomal Dominant, Autosomal Recessive and X-Linked Classification Criteria (2023). Collection method: clinical testing. Allele origin: unknown.
Comment: NM_000098.2(CPT2):c.1528_1529delAA(K510Efs*4) is a frameshift variant classified as pathogenic in the context of carnitine palmitoyltransferase II deficiency. K510Efs*4 has not been observed in cases with relevant disease. Relevant functional assessments of this variant are not available in the literature. K510Efs*4 has not been observed in referenced population frequency databases. In summary, NM_000098.2(CPT2):c.1528_1529delAA(K510Efs*4) is a frameshift variant in a gene where loss of function is a known mechanism of disease and is predicted to disrupt protein function. Please note: this variant was assessed in the context of healthy population screening.

Natera, Inc.
Classification: Likely pathogenic for Carnitine palmitoyltransferase II deficiency. Last evaluated: 2025-05-26. Review status: criteria provided, single submitter. Criteria: Natera Variant Classification Schema (03/2026). Collection method: clinical testing. Allele origin: germline.
Comment: The c.1528_1529delAA variant in CPT2 is a frameshift variant predicted to shift the reading frame beginning at codon 510 and leads to a stop codon 4 codons downstream. This variant is expected to result in nonsense mediated decay, truncation, or a dysfunctional protein product. This variant is rare in the general population with a frequency below the threshold expected for the associated phenotype(s). Given the available evidence, this variant is classified as Likely Pathogenic.

Labcorp Genetics (formerly Invitae), Labcorp
Classification: Pathogenic for Carnitine palmitoyltransferase II deficiency. Last evaluated: 2023-12-02. Review status: criteria provided, single submitter. Criteria: Invitae Variant Classification Sherloc (09022015). Collection method: clinical testing. Allele origin: germline.
Comment: This sequence change creates a premature translational stop signal (p.Lys510Glufs*4) in the CPT2 gene. It is expected to result in an absent or disrupted protein product. Loss-of-function variants in CPT2 are known to be pathogenic (PMID: 16781677, 16996287). This variant is not present in population databases (gnomAD no frequency). This variant has not been reported in the literature in individuals affected with CPT2-related conditions. For these reasons, this variant has been classified as Pathogenic.

Literature cited by the submitters: PubMed 16781677 (cited by Labcorp Genetics (formerly Invitae), Labcorp); PubMed 16996287 (cited by Labcorp Genetics (formerly Invitae), Labcorp).

NM_000098.3(CPT2):c.1528_1529del (p.Lys510fs)

Gene: CPT2 (carnitine palmitoyltransferase 2; plus strand). Cytogenetic location: 1p32.3.
Variant type: Deletion.
Coding change: c.1528_1529del on transcript NM_000098.3 (MANE Select); coding-DNA positions 1528 to 1529, 2 bases deleted (AA; older notation c.1528_1529delAA).
Protein change: p.Lys510fs; shifts the reading frame from lysine 510.
Molecular consequence: frameshift variant.
Genome position (GRCh38, 1-based): chr1:53,211,202-53,211,203, AA deleted; deleting any 2 consecutive bases within chr1:53,211,201-53,211,203 gives the same sequence; the c. name uses the placement nearest the transcript's 3' end. VCF-style (leftmost placement, unchanged base first): chr1-53211200-CAA-C. GRCh37 (hg19) VCF-style: chr1-53676872-CAA-C.
Other names: c.1528_1529del, p.Lys510fs (NM_001330589.2); c.1528_1529delAA (NM_000098.2); short protein forms K510fs.
Identifiers: ClinVar variation 2731066 (VCV002731066.5), dbSNP rs777066875, ClinGen allele CA2697552432.